The following is an entry in ClinVar:

NM_004963.4(GUCY2C):c.831-17T>A

Genes: GUCY2C (guanylate cyclase 2C; minus strand), GUCY2C-AS1 (GUCY2C antisense RNA 1; plus strand). Cytogenetic location: 12p12.3.
Variant type: single nucleotide variant.
Coding change: c.831-17T>A on transcript NM_004963.4 (MANE Select); 17 bases into the intron before coding-DNA position 831, T replaced by A.
Molecular consequence: intron variant.
Genome position (GRCh38, 1-based): chr12:14,676,988, A>T on the plus strand (T>A on the coding strand, the complement: GUCY2C is on the minus strand). VCF-style: chr12-14676988-A-T. GRCh37 (hg19) VCF-style: chr12-14829922-A-T.
Identifiers: ClinVar variation 3717589 (VCV003717589.2).
Genomic context (GRCh38, chr12:14,676,988, plus strand): 5'-TCATATAGTCAGGGGCTGTGACATTGTCCTCAAAGTACTGGTCACTGTAATAAAAAGCAC[A>T]GGTTCCTCATGAAAATTAGGAAAAATAGAGATGCATCTTCTATAGTTCACACAAACTATA-3'

ClinVar aggregate classification (germline): Uncertain significance (1 of 4 stars; one submission).

Submission:

Labcorp Genetics (formerly Invitae), Labcorp
Classification: Uncertain significance. Last evaluated: 2025-08-07. Review status: criteria provided, single submitter. Criteria: Invitae Variant Classification Sherloc (09022015). Collection method: clinical testing. Allele origin: germline.
Comment: This sequence change falls in intron 6 of the GUCY2C gene. It does not directly change the encoded amino acid sequence of the GUCY2C protein. This variant is not present in population databases (gnomAD no frequency). This variant has not been reported in the literature in individuals affected with GUCY2C-related conditions. ClinVar contains an entry for this variant (Variation ID: 3717589). Algorithms developed to predict the effect of sequence changes on RNA splicing suggest that this variant may disrupt the consensus splice site. In summary, the available evidence is currently insufficient to determine the role of this variant in disease. Therefore, it has been classified as a Variant of Uncertain Significance.